The following is an entry in ClinVar:

NM_018127.7(ELAC2):c.1218+5T>C

Gene: ELAC2 (elaC ribonuclease Z 2; minus strand). Cytogenetic location: 17p12.
Variant type: single nucleotide variant.
Coding change: c.1218+5T>C on transcript NM_018127.7 (MANE Select); 5 bases into the intron after coding-DNA position 1218, T replaced by C.
Molecular consequence: intron variant.
Genome position (GRCh38, 1-based): chr17:13,002,436, A>G on the plus strand (T>C on the coding strand, the complement: ELAC2 is on the minus strand). VCF-style: chr17-13002436-A-G. GRCh37 (hg19) VCF-style: chr17-12905753-A-G.
Other names: c.1098+5T>C (NM_001165962.2); c.1218+5T>C (NM_173717.2).
Identifiers: ClinVar variation 1353721 (VCV001353721.4), dbSNP rs1365154419, ClinGen allele CA625311249.
Genomic context (GRCh38, chr17:13,002,436, plus strand): 5'-ACATTCATGGAGAGAAAGAGAGGGGACGAGAGCTGGGCCGACAAGGGGCCGGTCTGAGAC[A>G]CTACCTTACAGCGGAAACTGGTGAGCAGGGGGAAGATGTCCGGGTGGATGAGGTTGAGCT-3'

ClinVar aggregate classification (germline): Uncertain significance (1 of 4 stars; one submission).

Conditions:
Combined oxidative phosphorylation defect type 17. Also called: Combined oxidative phosphorylation deficiency 17. Identifiers: Orphanet 369913, MedGen C3809526, MONDO:0014190, OMIM 615440.

Allele frequency attached by ClinVar (database versions not stated): gnomAD exomes below 0.00001.
gnomAD v4.1: 3 of 1,613,450 alleles (0.00019%); highest among the groups gnomAD compares: Admixed American, 0.0017%; no homozygotes.

Submission:

Labcorp Genetics (formerly Invitae), Labcorp
Classification: Uncertain significance for Combined oxidative phosphorylation defect type 17. Last evaluated: 2021-02-03. Review status: criteria provided, single submitter. Criteria: Invitae Variant Classification Sherloc (09022015). Collection method: clinical testing. Allele origin: germline.
Comment: In summary, the available evidence is currently insufficient to determine the role of this variant in disease. Therefore, it has been classified as a Variant of Uncertain Significance. Nucleotide substitutions within the consensus splice site are a relatively common cause of aberrant splicing (PMID: 17576681, 9536098). Algorithms developed to predict the effect of sequence changes on RNA splicing suggest that this variant is not likely to affect RNA splicing, but this prediction has not been confirmed by published transcriptional studies. This variant has not been reported in the literature in individuals with ELAC2-related conditions. This variant is not present in population databases (ExAC no frequency). This sequence change falls in intron 13 of the ELAC2 gene. It does not directly change the encoded amino acid sequence of the ELAC2 protein. It affects a nucleotide within the consensus splice site of the intron.

Literature cited by the submitters: PubMed 17576681; PubMed 9536098.